The following is an entry in ClinVar:

NM_001039348.3(EFEMP1):c.543G>A (p.Thr181=)

Gene: EFEMP1 (EGF-like fibulin extracellular matrix protein 1; minus strand). Cytogenetic location: 2p16.1.
Variant type: single nucleotide variant.
Coding change: c.543G>A on transcript NM_001039348.3 (MANE Select); coding-DNA position 543, G replaced by A.
Protein change: p.Thr181=; no amino-acid change (threonine 181 retained).
Molecular consequence: synonymous variant.
Genome position (GRCh38, 1-based): chr2:55,881,709, C>T on the plus strand (G>A on the coding strand, the complement: EFEMP1 is on the minus strand). VCF-style: chr2-55881709-C-T. GRCh37 (hg19) VCF-style: chr2-56108844-C-T.
Other names: c.543G>A (NM_001039348.2); c.543G>A, p.Thr181= (NM_001039349.3).
Identifiers: ClinVar variation 1166334 (VCV001166334.14), dbSNP rs568272529, ClinGen allele CA1668901.

ClinVar aggregate classification (germline): Benign/Likely benign. Review status: criteria provided, multiple submitters, no conflicts (2 of 4 stars). 5 submissions from 5 submitters: Benign (1); Likely benign (1). 3 of the submissions do not count toward it. Last evaluated 2026-01-27.

Conditions:
EFEMP1-related disorder. Also called: EFEMP1-related condition.

Allele frequency attached by ClinVar (database versions not stated): gnomAD 0.00001 and 0.00016; TOPMed 0.00004; gnomAD exomes 0.00027 and 0.00068; ExAC 0.00062; 1000 Genomes Project 30x 0.00172; 1000 Genomes Project 0.00200.
gnomAD v4.1: 431 of 1,613,918 alleles (0.027%); highest among the groups gnomAD compares: South Asian, 0.41%; 5 homozygotes.

Submissions (5):

Labcorp Genetics (formerly Invitae), Labcorp
Classification: Benign. Last evaluated: 2026-01-27. Review status: criteria provided, single submitter. Criteria: Invitae Variant Classification Sherloc (09022015). Collection method: clinical testing. Allele origin: germline.

Blueprint Genetics
Classification: Likely benign. Last evaluated: 2024-01-25. Review status: criteria provided, single submitter. Criteria: ACMG Guidelines, 2015. Collection method: clinical testing. Allele origin: germline.

PreventionGenetics, part of Exact Sciences
Classification: Likely benign for EFEMP1-related condition. Last evaluated: 2024-09-05. Review status: no assertion criteria provided. Collection method: clinical testing. Allele origin: germline. Not counted in ClinVar's aggregate classification.
Comment: This variant is classified as likely benign based on ACMG/AMP sequence variant interpretation guidelines (Richards et al. 2015 PMID: 25741868, with internal and published modifications).

Clinical Genetics DNA and cytogenetics Diagnostics Lab, Erasmus MC, Erasmus Medical Center
Classification: Likely benign. Review status: no assertion criteria provided. Collection method: clinical testing. Allele origin: germline. Affected: yes. Study: VKGL Data-share Consensus. Not counted in ClinVar's aggregate classification.

Clinical Genetics, Academic Medical Center
Classification: Likely benign. Review status: no assertion criteria provided. Collection method: clinical testing. Allele origin: germline. Affected: yes. Study: VKGL Data-share Consensus. Not counted in ClinVar's aggregate classification.